The following is an entry in ClinVar:

NM_001374736.1(DST):c.14071T>G (p.Leu4691Val)

Gene: DST (dystonin; minus strand). Cytogenetic location: 6p12.1.
Variant type: single nucleotide variant.
Coding change: c.14071T>G on transcript NM_001374736.1 (MANE Select); coding-DNA position 14071, T replaced by G.
Protein change: p.Leu4691Val; replaces leucine 4691 with valine.
Molecular consequence: missense variant.
Genome position (GRCh38, 1-based): chr6:56,561,547, A>C on the plus strand (T>G on the coding strand, the complement: DST is on the minus strand). VCF-style: chr6-56561547-A-C. GRCh37 (hg19) VCF-style: chr6-56426345-A-C.
Other names: c.7714T>G, p.Leu2572Val (NM_001144769.5); c.7300T>G, p.Leu2434Val (NM_001144770.2); c.14071T>G, p.Leu4691Val (NM_001374722.1); c.13438T>G, p.Leu4480Val (NM_001374729.1); c.7180T>G, p.Leu2394Val (NM_001374730.1, NM_183380.4); c.14098T>G, p.Leu4700Val (NM_001374734.1); c.6202T>G, p.Leu2068Val (NM_015548.5); short protein forms L2068V, L2572V, L2394V, L2434V, L4480V, L4691V, L4700V.
Identifiers: ClinVar variation 402806 (VCV000402806.4), dbSNP rs1060499855, ClinGen allele CA16609734.

ClinVar aggregate classification (germline): Uncertain significance (1 of 4 stars; one submission).

Submission:

Laboratory for Molecular Medicine, Mass General Brigham Personalized Medicine
Classification: Uncertain significance. Last evaluated: 2016-03-29. Review status: criteria provided, single submitter. Criteria: LMM Criteria. Collection method: clinical testing. Allele origin: germline.
Comment: Variant identified in a genome or exome case(s) and assessed due to predicted null impact of the variant or pathogenic assertions in the literature or databases. Disclaimer: This variant has not undergone full assessment. The following are preliminary notes: Gene associated with epidermolysis bullosa simplex, hereditary sensory and autonomic neuropathy type VI - characterized by neonatal hypotonia, respiratory and feeding difficulties, lack of psychomotor development, and autonomic abnormalities. This variant has not been previously reported and is not predicted to have a splice impact. 1 mammal (Tenrec) has a Val at this position.